The following is an entry in ClinVar:

NM_006846.4(SPINK5):c.684T>A (p.Tyr228Ter)

Gene: SPINK5 (serine peptidase inhibitor Kazal type 5; plus strand). Cytogenetic location: 5q32.
Variant type: single nucleotide variant.
Coding change: c.684T>A on transcript NM_006846.4 (MANE Select); coding-DNA position 684, T replaced by A.
Protein change: p.Tyr228Ter; replaces tyrosine 228 with a stop codon.
Molecular consequence: nonsense.
Genome position (GRCh38, 1-based): chr5:148,094,371, T>A. VCF-style: chr5-148094371-T-A. GRCh37 (hg19) VCF-style: chr5-147473934-T-A.
Other names: c.684T>A, p.Tyr228Ter (NM_001127698.2, NM_001127699.2); short protein forms Y228*.
Identifiers: ClinVar variation 3647304 (VCV003647304.2).
Genomic context (GRCh38, chr5:148,094,371, plus strand): 5'-TGAAATGAAATGAAGTAAAATAAATATAATTGTCTTTTCAAAGGATTTTTGCAAGGAATA[T>A]GAAAAACAAGTGAGAAATGGAAGGCTTTTTTGTACACGGGAGAGTGATCCAGTCCGTGGC-3'

ClinVar aggregate classification (germline): Pathogenic (1 of 4 stars; one submission).

Conditions:
Ichthyosis linearis circumflexa. Identifiers: MedGen C0265962, MONDO:0043106, HP:0025810.

Submission:

Labcorp Genetics (formerly Invitae), Labcorp
Classification: Pathogenic for Ichthyosis linearis circumflexa. Last evaluated: 2024-03-22. Review status: criteria provided, single submitter. Criteria: Invitae Variant Classification Sherloc (09022015). Collection method: clinical testing. Allele origin: germline.
Comment: This sequence change creates a premature translational stop signal (p.Tyr228*) in the SPINK5 gene. It is expected to result in an absent or disrupted protein product. Loss-of-function variants in SPINK5 are known to be pathogenic (PMID: 11511292, 11841556). This variant is not present in population databases (gnomAD no frequency). This variant has not been reported in the literature in individuals affected with SPINK5-related conditions. Algorithms developed to predict the effect of sequence changes on RNA splicing suggest that this variant may disrupt the consensus splice site. For these reasons, this variant has been classified as Pathogenic.

Literature cited by the submitters: PubMed 11511292; PubMed 11841556.